The following is an entry in ClinVar:

NM_000238.4(KCNH2):c.3152+1G>T

Gene: KCNH2 (potassium voltage-gated channel subfamily H member 2; minus strand). Cytogenetic location: 7q36.1.
Variant type: single nucleotide variant.
Coding change: c.3152+1G>T on transcript NM_000238.4 (MANE Select); the canonical splice donor site of the intron after coding-DNA position 3152, G replaced by T.
Molecular consequence: splice donor variant.
Genome position (GRCh38, 1-based): chr7:150,947,327, C>A on the plus strand (G>T on the coding strand, the complement: KCNH2 is on the minus strand). VCF-style: chr7-150947327-C-A. GRCh37 (hg19) VCF-style: chr7-150644415-C-A.
Other names: c.2864+1G>T (NM_001406753.1); c.2132+1G>T (NM_172057.3).
Identifiers: ClinVar variation 373026 (VCV000373026.9), dbSNP rs1057518151, ClinGen allele CA16042568.
Genomic context (GRCh38, chr7:150,947,327, plus strand): 5'-ACCGCCAGGACCTGGACCAGACTCCAGGGCGTGCCCCCCCACCCCACCTGCACTCCCTCA[C>A]CTGTTGAGCTGGCGCTGGAGGGCATCCAGCCTGCTCTCCACGTCGCCCCGGGGCCGCCGA-3'

ClinVar aggregate classification (germline): Pathogenic/Likely pathogenic. Review status: criteria provided, multiple submitters, no conflicts (2 of 4 stars). 2 submissions from 2 submitters: Pathogenic (1); Likely pathogenic (1). Last evaluated 2020-05-15.

Conditions:
Long QT syndrome (LQTS). Identifiers: MedGen C0023976, MeSH D008133, MONDO:0002442. Disease mechanism: loss of function. Inheritance: Various modes of inheritance.

Submissions (2):

Labcorp Genetics (formerly Invitae), Labcorp
Classification: Likely pathogenic for Long QT syndrome. Last evaluated: 2020-05-15. Review status: criteria provided, single submitter. Criteria: Invitae Variant Classification Sherloc (09022015). Collection method: clinical testing. Allele origin: germline.
Comment: This variant has not been reported in the literature in individuals with KCNH2-related conditions. ClinVar contains an entry for this variant (Variation ID: 373026). The frequency data for this variant in the population databases is considered unreliable, as metrics indicate insufficient coverage at this position in the ExAC database. This sequence change affects a donor splice site in intron 13 of the KCNH2 gene. It is expected to disrupt RNA splicing and likely results in an absent or disrupted protein product. In summary, the currently available evidence indicates that the variant is pathogenic, but additional data are needed to prove that conclusively. Therefore, this variant has been classified as Likely Pathogenic. Donor and acceptor splice site variants typically lead to a loss of protein function (PMID: 16199547), and loss-of-function variants in KCNH2 are known to be pathogenic (PMID: 10973849, 19862833). Algorithms developed to predict the effect of sequence changes on RNA splicing suggest that this variant may disrupt the consensus splice site, but this prediction has not been confirmed by published transcriptional studies.

GeneDx
Classification: Pathogenic. Last evaluated: 2016-10-11. Review status: criteria provided, single submitter. Criteria: GeneDx Variant Classification (06012015). Collection method: clinical testing. Allele origin: germline. Affected: yes.
Comment: Although the c.3152+1 G>T pathogenic variant in the KCNH2 gene has not been reported as a pathogenic variant or as a benign variant to our knowledge, it destroys the canonical splice donor site in intron 13 and is predicted to cause abnormal gene splicing. This variant is predicted to lead to either an abnormal message that is subject to nonsense-mediated mRNA decay, or to an abnormal protein product if the message is used for protein translation. Other downstream splice site variants in the KCNH2 gene and a different pathogenic variant affecting the same nucleotide (c.3152+1 G>A) have been reported in HGMD in association with LQTS (Stenson et al., 2014). Furthermore, the c.3152+1 G>T variant was not observed in approximately 5,800 individuals of European and African American ancestry in the NHLBI Exome Sequencing Project (average read depth 6X).In summary, c.3152+1 G>T in the KCNH2 gene is interpreted as a pathogenic variant.

Literature cited by the submitters: PubMed 16199547 (cited by Labcorp Genetics (formerly Invitae), Labcorp); PubMed 10973849 (cited by Labcorp Genetics (formerly Invitae), Labcorp); PubMed 19862833 (cited by Labcorp Genetics (formerly Invitae), Labcorp).